The following is an entry in ClinVar:

NM_000256.3(MYBPC3):c.3190+2_3190+3del

Gene: MYBPC3 (myosin binding protein C3; minus strand). Cytogenetic location: 11p11.2.
Variant type: Deletion.
Coding change: c.3190+2_3190+3del on transcript NM_000256.3 (MANE Select); the canonical splice donor site of the intron after coding-DNA position 3190 through 3 bases into the intron after coding-DNA position 3190, 2 bases deleted (TG; older notation c.3190+2_3190+3delTG).
Molecular consequence: splice donor variant.
Genome position (GRCh38, 1-based): chr11:47,333,554-47,333,555, CA deleted on the plus strand (TG on the coding strand, the reverse complement: MYBPC3 is on the minus strand); deleting any 2 consecutive bases within chr11:47,333,554-47,333,556 gives the same sequence; the c. name uses the placement nearest the transcript's 3' end. VCF-style (leftmost placement, unchanged base first): chr11-47333553-GCA-G. GRCh37 (hg19) VCF-style: chr11-47355104-GCA-G.
Other names: c.3190+2_3190+3delTG (NM_000256.3).
Identifiers: ClinVar variation 3346706 (VCV003346706.1).

ClinVar aggregate classification (germline): Likely pathogenic (0 of 4 stars; one submission).

Conditions:
MYBPC3-related disorder. Also called: MYBPC3-related condition; MYBPC3-related disease; MYBPC3-related disorders.

Submission:

PreventionGenetics, part of Exact Sciences
Classification: Likely pathogenic for MYBPC3-related condition. Last evaluated: 2024-09-19. Review status: no assertion criteria provided. Collection method: clinical testing. Allele origin: germline.
Comment: The MYBPC3 c.3190+2_3190+3delTG variant is predicted to result in a deletion affecting a canonical splice site. To our knowledge, this variant has not been reported in the literature or in a large population database, indicating this variant is rare. This variant is predicted to abolish the canonical splice donor site at the junction of exon 29 and intron 29 (SpliceAI, Jaganathan et al. 2019. PubMed ID: 30661751), and other splicing changes at this junction have been reported as causative for cardiomyopathy (see, for example, Mademont-Soler et al. 2017. PubMed ID: 28771489). This variant is interpreted as likely pathogenic.